The following is an entry in ClinVar:

ClinVar aggregate classification (germline): not provided (0 of 4 stars; one submission).

Submission:

ITMI
No classification provided. Condition: AllHighlyPenetrant. Last evaluated: 2013-09-19. Review status: no classification provided. Collection method: reference population. Allele origin: germline.
Comment: Please see associated publication for description of ethnicities

Literature cited by the submitters: PubMed 24728327.

NM_000245.4(MET):c.1701+80dup

Gene: MET (MET proto-oncogene, receptor tyrosine kinase; plus strand). Cytogenetic location: 7q31.2.
Variant type: Duplication.
Coding change: c.1701+80dup on transcript NM_000245.4 (MANE Select); 80 bases into the intron after coding-DNA position 1701, one base duplicated (T; older notation c.1701+80dupT).
Molecular consequence: intron variant.
Genome position (GRCh38, 1-based): chr7:116,741,105, T duplicated; the last of 6 consecutive T bases (chr7:116,741,100-116,741,105); duplicating any one gives the same sequence. VCF-style (leftmost placement, unchanged base first): chr7-116741099-G-GT. GRCh37 (hg19) VCF-style: chr7-116381153-G-GT.
Other names: c.1701+80dup (NM_001127500.3, NM_001324401.3); c.411+80dup (NM_001324402.2).
Identifiers: ClinVar variation 135559 (VCV000135559.1), dbSNP rs587777951, ClinGen allele CA163015.